The following is an entry in ClinVar:

NM_001193315.2(VIPAS39):c.358G>A (p.Gly120Arg)

Gene: VIPAS39 (VPS33B interacting protein, apical-basolateral polarity regulator, spe-39 homolog; minus strand). Cytogenetic location: 14q24.3.
Variant type: single nucleotide variant.
Coding change: c.358G>A on transcript NM_001193315.2 (MANE Select); coding-DNA position 358, G replaced by A.
Protein change: p.Gly120Arg; replaces glycine 120 with arginine.
Molecular consequence: missense variant. On other transcripts: non-coding transcript variant (1).
Genome position (GRCh38, 1-based): chr14:77,449,738, C>T on the plus strand (G>A on the coding strand, the complement: VIPAS39 is on the minus strand). VCF-style: chr14-77449738-C-T. GRCh37 (hg19) VCF-style: chr14-77916081-C-T.
Other names: c.358G>A, p.Gly120Arg (NM_001193314.2, NM_001193317.2, NM_001400326.1 and 11 more transcripts); c.211G>A, p.Gly71Arg (NM_001193316.2, NM_001400324.1, NM_001400325.1 and 1 more transcripts); short protein forms G120R, G71R.
Identifiers: ClinVar variation 2881445 (VCV002881445.2), dbSNP rs2503276523, ClinGen allele CA390698553.

ClinVar aggregate classification (germline): Uncertain significance (1 of 4 stars; one submission).

Allele frequency attached by ClinVar (database versions not stated): gnomAD exomes below 0.00001; gnomAD 0.00001.
gnomAD v4.1: 3 of 1,613,972 alleles (0.00019%); highest among the groups gnomAD compares: Admixed American, 0.005%; no homozygotes.

Submission:

Labcorp Genetics (formerly Invitae), Labcorp
Classification: Uncertain significance. Last evaluated: 2024-10-29. Review status: criteria provided, single submitter. Criteria: Invitae Variant Classification Sherloc (09022015). Collection method: clinical testing. Allele origin: germline.
Comment: This sequence change replaces glycine, which is neutral and non-polar, with arginine, which is basic and polar, at codon 120 of the VIPAS39 protein (p.Gly120Arg). This variant is not present in population databases (gnomAD no frequency). This variant has not been reported in the literature in individuals affected with VIPAS39-related conditions. Invitae Evidence Modeling of protein sequence and biophysical properties (such as structural, functional, and spatial information, amino acid conservation, physicochemical variation, residue mobility, and thermodynamic stability) indicates that this missense variant is not expected to disrupt VIPAS39 protein function with a negative predictive value of 80%. Algorithms developed to predict the effect of sequence changes on RNA splicing suggest that this variant may disrupt the consensus splice site. In summary, the available evidence is currently insufficient to determine the role of this variant in disease. Therefore, it has been classified as a Variant of Uncertain Significance.